The following is an entry in ClinVar:

NM_000059.4(BRCA2):c.8464A>T (p.Ile2822Phe)

Gene: BRCA2 (BRCA2 DNA repair associated; plus strand). Cytogenetic location: 13q13.1.
Variant type: single nucleotide variant.
Coding change: c.8464A>T on transcript NM_000059.4 (MANE Select); coding-DNA position 8464, A replaced by T.
Protein change: p.Ile2822Phe; replaces isoleucine 2822 with phenylalanine.
Molecular consequence: missense variant.
Genome position (GRCh38, 1-based): chr13:32,370,534, A>T. VCF-style: chr13-32370534-A-T. GRCh37 (hg19) VCF-style: chr13-32944671-A-T.
Other names: 8692A>T; short protein forms I2822F.
Identifiers: ClinVar variation 38160 (VCV000038160.15), dbSNP rs397507403, ClinGen allele CA025658.

ClinVar aggregate classification (germline): Conflicting classifications of pathogenicity. Review status: criteria provided, conflicting classifications (1 of 4 stars). 4 submissions from 4 submitters: Uncertain significance (2); Likely benign (1). 1 of the submissions does not count toward it. Last evaluated 2024-03-18.

Conditions:
Hereditary cancer-predisposing syndrome. Also called: Tumor predisposition; Neoplastic Syndromes, Hereditary; Hereditary neoplastic syndrome; Hereditary Cancer Syndrome. Identifiers: Orphanet 140162, MedGen C0027672, MeSH D009386, MONDO:0015356.
Familial cancer of breast. Also called: Hereditary breast cancer; BREAST CANCER, FAMILIAL; hereditary breast carcinoma. Identifiers: Orphanet 227535, MedGen C0346153, MONDO:0016419, OMIM 114480. Disease mechanism: loss of function.
Breast-ovarian cancer, familial, susceptibility to, 2 (BROVCA2). Also called: BRCA2 Hereditary Breast and Ovarian Cancer. Identifiers: Orphanet 145, MedGen C2675520, MONDO:0012933, OMIM 612555. Disease mechanism: loss of function.
Hereditary breast ovarian cancer syndrome. Also called: Hereditary breast and ovarian cancer; Hereditary breast and ovarian cancer syndrome (HBOC); Hereditary breast and/or ovarian cancer syndrome; Breast and ovarian cancer; Hereditary breast and ovarian cancer syndrome; BRCA1- and BRCA2-Associated Hereditary Breast and Ovarian Cancer. Identifiers: Orphanet 145, MedGen C0677776, MeSH D061325, MONDO:0003582. Disease mechanism: loss of function.

Allele frequency attached by ClinVar (database versions not stated): gnomAD exomes below 0.00001 and 0.00001.
gnomAD v4.1: 3 of 1,613,740 alleles (0.00019%); highest among the groups gnomAD compares: South Asian, 0.0022%; no homozygotes.

Submissions (4):

Department of Pathology and Laboratory Medicine, Sinai Health System
Classification: Uncertain significance for Familial cancer of breast; Breast-ovarian cancer, familial, susceptibility to, 2. Last evaluated: 2024-03-18. Review status: criteria provided, single submitter. Criteria: ACMG Guidelines, 2015. Collection method: clinical testing. Allele origin: germline. Affected: yes.

Labcorp Genetics (formerly Invitae), Labcorp
Classification: Uncertain significance for Hereditary breast ovarian cancer syndrome. Last evaluated: 2021-06-01. Review status: criteria provided, single submitter. Criteria: Invitae Variant Classification Sherloc (09022015). Collection method: clinical testing. Allele origin: germline.
Comment: In summary, the available evidence is currently insufficient to determine the role of this variant in disease. Therefore, it has been classified as a Variant of Uncertain Significance. Advanced modeling of protein sequence and biophysical properties (such as structural, functional, and spatial information, amino acid conservation, physicochemical variation, residue mobility, and thermodynamic stability) performed at Invitae indicates that this missense variant is not expected to disrupt BRCA2 protein function. This variant has not been reported in the literature in individuals with BRCA2-related conditions. ClinVar contains an entry for this variant (Variation ID: 38160). This variant is not present in population databases (ExAC no frequency). This sequence change replaces isoleucine with phenylalanine at codon 2822 of the BRCA2 protein (p.Ile2822Phe). The isoleucine residue is moderately conserved and there is a small physicochemical difference between isoleucine and phenylalanine.

Ambry Genetics
Classification: Likely benign for Hereditary cancer-predisposing syndrome. Last evaluated: 2020-01-25. Review status: criteria provided, single submitter. Criteria: Ambry Variant Classification Scheme 2023. Collection method: clinical testing. Allele origin: germline.

Sharing Clinical Reports Project (SCRP)
Classification: Uncertain significance for Breast-ovarian cancer, familial 2. Last evaluated: 2013-05-03. Review status: no assertion criteria provided. Collection method: clinical testing. Allele origin: germline. Not counted in ClinVar's aggregate classification.

Literature cited by the submitters: PubMed 12228710 (cited by Ambry Genetics).